The following is an entry in ClinVar:

ClinVar aggregate classification (germline): Likely benign (0 of 4 stars; one submission).

Conditions:
BDNF-related disorder. Also called: BDNF-related condition.

gnomAD v4.1: 1 of 1,602,470 alleles (0.000062%); highest among the groups gnomAD compares: Non-Finnish European, 0.000085%; no homozygotes.

Submission:

PreventionGenetics, part of Exact Sciences
Classification: Likely benign for BDNF-related condition. Last evaluated: 2024-08-31. Review status: no assertion criteria provided. Collection method: clinical testing. Allele origin: germline.
Comment: This variant is classified as likely benign based on ACMG/AMP sequence variant interpretation guidelines (Richards et al. 2015 PMID: 25741868, with internal and published modifications).

NM_001709.5(BDNF):c.-21-15625A>G

Genes: BDNF (brain derived neurotrophic factor; minus strand), BDNF-AS (BDNF antisense RNA; plus strand). Cytogenetic location: 11p14.1.
Variant type: single nucleotide variant.
Coding change: c.-21-15625A>G on transcript NM_001709.5 (MANE Select); 15625 bases into the intron before 21 bases upstream of the start codon, A replaced by G.
Molecular consequence: intron variant. On other transcripts: synonymous variant (1), 5 prime UTR variant (1).
Genome position (GRCh38, 1-based): chr11:27,674,210, T>C on the plus strand (A>G on the coding strand, the complement: BDNF is on the minus strand). VCF-style: chr11-27674210-T-C. GRCh37 (hg19) VCF-style: chr11-27695757-T-C.
Other names: c.75A>G, p.Leu25= (NM_001143810.2); c.-289A>G (NM_001143811.2); c.4-15625A>G (NM_170731.5); c.-21-15625A>G (NM_001143805.1, NM_001143806.1, NM_170732.4 and 5 more transcripts); c.67-15625A>G (NM_001143809.2); c.-128-15284A>G (NM_001143814.2); c.25-15625A>G (NM_170734.4).
Identifiers: ClinVar variation 3346162 (VCV003346162.1).